The following is an entry in ClinVar:

ClinVar aggregate classification (germline): Uncertain significance (1 of 4 stars; one submission).

Conditions:
Emery-Dreifuss muscular dystrophy 5, autosomal dominant (EDMD5). Also called: EMERY-DREIFUSS MUSCULAR DYSTROPHY 5. Identifiers: Orphanet 261, MedGen C2751805, MONDO:0013072, OMIM 612999.

Submission:

Labcorp Genetics (formerly Invitae), Labcorp
Classification: Uncertain significance for Emery-Dreifuss muscular dystrophy 5, autosomal dominant. Last evaluated: 2020-12-21. Review status: criteria provided, single submitter. Criteria: Invitae Variant Classification Sherloc (09022015). Collection method: clinical testing. Allele origin: germline.
Comment: This variant is not present in population databases (ExAC no frequency). This sequence change replaces aspartic acid with asparagine at codon 6143 of the SYNE2 protein (p.Asp6143Asn). The aspartic acid residue is moderately conserved and there is a small physicochemical difference between aspartic acid and asparagine. This variant has not been reported in the literature in individuals with SYNE2-related conditions. In summary, the available evidence is currently insufficient to determine the role of this variant in disease. Therefore, it has been classified as a Variant of Uncertain Significance. Algorithms developed to predict the effect of missense changes on protein structure and function are either unavailable or do not agree on the potential impact of this missense change (SIFT: "Tolerated"; PolyPhen-2: "Possibly Damaging"; Align-GVGD: "Class C0").

NM_182914.3(SYNE2):c.18427G>A (p.Asp6143Asn)

Gene: SYNE2 (spectrin repeat containing nuclear envelope protein 2; plus strand). Cytogenetic location: 14q23.2.
Variant type: single nucleotide variant.
Coding change: c.18427G>A on transcript NM_182914.3 (MANE Select); coding-DNA position 18427, G replaced by A.
Protein change: p.Asp6143Asn; replaces aspartic acid 6143 with asparagine.
Molecular consequence: missense variant.
Genome position (GRCh38, 1-based): chr14:64,209,465, G>A. VCF-style: chr14-64209465-G-A. GRCh37 (hg19) VCF-style: chr14-64676183-G-A.
Other names: c.18427G>A, p.Asp6143Asn (NM_015180.6); short protein forms D6143N.
Identifiers: ClinVar variation 1438491 (VCV001438491.8), dbSNP rs2140144167, ClinGen allele CA389949680.